The following is an entry in ClinVar:

ClinVar aggregate classification (germline): Conflicting classifications of pathogenicity. Review status: criteria provided, conflicting classifications (1 of 4 stars). 13 submissions from 13 submitters: Uncertain significance (2); Benign (1); Likely benign (9). 1 of the submissions does not count toward it. Last evaluated 2026-04-21.

Conditions:
Hereditary cancer. Identifiers: MedGen C1333600.
POLE-related disorder. Also called: POLE-related disorders; POLE-related condition.
Colorectal cancer, susceptibility to, 12 (CRCS12). Also called: COLORECTAL CANCER, SUSCEPTIBILITY TO, ON CHROMOSOME 12q24. Identifiers: Orphanet 220460, MedGen C3554460, MONDO:0014038, OMIM 615083.
Facial dysmorphism-immunodeficiency-livedo-short stature syndrome. Also called: FILS syndrome; Facial dysmorphism, immunodeficiency, livedo, and short stature. Identifiers: Orphanet 352712, MedGen C3554576, MONDO:0014058, OMIM 615139.
Intrauterine growth retardation, metaphyseal dysplasia, adrenal hypoplasia congenita, genital anomalies, and immunodeficiency. Also called: IMAGEI SYNDROME. Identifiers: MedGen C5193036, MONDO:0032684, OMIM 618336.
Hereditary cancer-predisposing syndrome. Also called: Tumor predisposition; Hereditary neoplastic syndrome; Hereditary Cancer Syndrome; Neoplastic Syndromes, Hereditary. Identifiers: Orphanet 140162, MedGen C0027672, MeSH D009386, MONDO:0015356.

Allele frequency attached by ClinVar (database versions not stated): 1000 Genomes Project 30x 0.00016; gnomAD 0.00041 and 0.00040; gnomAD exomes 0.00004 and 0.00009; 1000 Genomes Project 0.00020; TOPMed 0.00041; ExAC 0.00012; ESP Exome Variant Server 0.00046.
gnomAD v4.1: 118 of 1,598,432 alleles (0.0074%); highest among the groups gnomAD compares: African/African-American, 0.13%; no homozygotes.

Submissions (13):

Dasa
Classification: Likely benign. Last evaluated: 2026-04-21. Review status: criteria provided, single submitter. Criteria: DASA Assertion Criteria. Collection method: clinical testing. Allele origin: germline.
Comment: NM_006231.4(POLE):c.1015G>A (p.Asp339Asn) is a missense variant that results in the substitution of aspartic acid with asparagine. Population frequency is inconsistent with a disease-causing role for this variant. Computational prediction algorithms are consistent with a benign effect. Therefore, based on the currently available evidence, this variant is classified as likely benign.

Myriad Genetics, Inc.
Classification: Likely benign for Colorectal cancer, susceptibility to, 12. Last evaluated: 2026-03-04. Review status: criteria provided, single submitter. Criteria: Myriad Autosomal Dominant, Autosomal Recessive and X-Linked Classification Criteria (2023). Collection method: clinical testing. Allele origin: unknown.
Comment: This variant is considered likely benign. This variant has been observed at a population frequency that is significantly greater than expected given the associated disease prevalence and penetrance.

Labcorp Genetics (formerly Invitae), Labcorp
Classification: Likely benign. Last evaluated: 2026-01-26. Review status: criteria provided, single submitter. Criteria: Invitae Variant Classification Sherloc (09022015). Collection method: clinical testing. Allele origin: germline.

Center for Genomic Medicine, Rigshospitalet, Copenhagen University Hospital
Classification: Likely benign. Last evaluated: 2025-12-29. Review status: criteria provided, single submitter. Criteria: ACMG Guidelines, 2015. Collection method: clinical testing. Allele origin: germline.
Comment: Classification criteria: BS1, BP4

Mendelics
Classification: Likely benign for Hereditary cancer. Last evaluated: 2025-02-27. Review status: criteria provided, single submitter. Criteria: ACMG Guidelines, 2015. Collection method: clinical testing. Allele origin: unknown.
Comment: This variant is considered likely benign or benign based on one or more of the following: it is predicted to be benign by multiple in silico algorithms, and/or has population frequency not consistent with disease, and/or has normal protein function, and/or has lack of segregation with disease, and/or has been detected in co-occurrence with known pathogenic variant, and/or has lack of disease association in case-control studies, and/or is located in a region inconsistent with a known cause of pathogenicity.

Department of Pathology and Laboratory Medicine, Sinai Health System
Classification: Likely benign for Colorectal cancer, susceptibility to, 12; Facial dysmorphism-immunodeficiency-livedo-short stature syndrome; Intrauterine growth retardation, metaphyseal dysplasia, adrenal hypoplasia congenita, genital anomalies, and immunodeficiency. Last evaluated: 2024-12-23. Review status: criteria provided, single submitter. Criteria: ACMG Guidelines, 2015. Collection method: clinical testing. Allele origin: germline. Affected: yes.

Ambry Genetics
Classification: Likely benign for Hereditary cancer-predisposing syndrome. Last evaluated: 2022-11-10. Review status: criteria provided, single submitter. Criteria: Ambry Variant Classification Scheme 2023. Collection method: clinical testing. Allele origin: germline.

Women's Health and Genetics/Laboratory Corporation of America, LabCorp
Classification: Likely benign. Last evaluated: 2022-10-29. Review status: criteria provided, single submitter. Criteria: LabCorp Variant Classification Summary - May 2015. Collection method: clinical testing. Allele origin: germline.

Genetic Services Laboratory, University of Chicago
Classification: Uncertain significance. Last evaluated: 2021-11-30. Review status: criteria provided, single submitter. Criteria: ACMG Guidelines, 2015. Collection method: clinical testing. Allele origin: germline. Affected: no.
Comment: DNA sequence analysis of the POLE gene demonstrated a sequence change, c.1015G>A, in exon 10 that results in an amino acid change, p.Asp339Asn. This sequence change has been described in the gnomAD database with a frequency of 0.11% in the African/African American subpopulation (dbSNP rs149029910). The p.Asp339Asn change affects a highly conserved amino acid residue located in a domain of the POLE protein that is known to be functional. The p.Asp339Asn substitution appears to be benign using several in-silico pathogenicity prediction tools (SIFT, PolyPhen2, Align GVGD, REVEL). This sequence change does not appear to have been previously described in individuals with POLE-related disorders. Due to insufficient evidences and the lack of functional studies, the clinical significance of the p.Asp339Asn change remains unknown at this time.

Quest Diagnostics Nichols Institute San Juan Capistrano
Classification: Benign. Last evaluated: 2021-07-28. Review status: criteria provided, single submitter. Criteria: Quest Diagnostics criteria. Collection method: clinical testing. Allele origin: unknown.

GeneDx
Classification: Uncertain significance. Last evaluated: 2021-07-06. Review status: criteria provided, single submitter. Criteria: GeneDx Variant Classification Process June 2021. Collection method: clinical testing. Allele origin: germline. Affected: yes.
Comment: In silico analysis supports that this missense variant does not alter protein structure/function; Has not been previously published as pathogenic or benign to our knowledge; This variant is associated with the following publications: (PMID: 20951805, 27535533, 30968248)

Sema4
Classification: Likely benign for Hereditary cancer-predisposing syndrome. Last evaluated: 2020-08-27. Review status: criteria provided, single submitter. Criteria: Sema4 Curation Guidelines. Collection method: curation. Allele origin: germline.

PreventionGenetics, part of Exact Sciences
Classification: Likely benign for POLE-related condition. Last evaluated: 2023-08-09. Review status: no assertion criteria provided. Collection method: clinical testing. Allele origin: germline. Not counted in ClinVar's aggregate classification.
Comment: This variant is classified as likely benign based on ACMG/AMP sequence variant interpretation guidelines (Richards et al. 2015 PMID: 25741868, with internal and published modifications).

NM_006231.4(POLE):c.1015G>A (p.Asp339Asn)

Gene: POLE (DNA polymerase epsilon, catalytic subunit; minus strand). Cytogenetic location: 12q24.33.
Variant type: single nucleotide variant.
Coding change: c.1015G>A on transcript NM_006231.4 (MANE Select); coding-DNA position 1015, G replaced by A.
Protein change: p.Asp339Asn; replaces aspartic acid 339 with asparagine.
Molecular consequence: missense variant.
Genome position (GRCh38, 1-based): chr12:132,676,099, C>T on the plus strand (G>A on the coding strand, the complement: POLE is on the minus strand). VCF-style: chr12-132676099-C-T. GRCh37 (hg19) VCF-style: chr12-133252685-C-T.
Other names: short protein forms D339N.
Identifiers: ClinVar variation 240371 (VCV000240371.39), dbSNP rs149029910, ClinGen allele CA6894121.
Genomic context (GRCh38, chr12:132,676,099, plus strand): 5'-CACATGTCCGTTCTTCCCACAATACCGGGTAGTTTCCCAAGTGATACCTCCTTACCTCAT[C>T]GGGTTCATTGAAGACACAAAAGGGGCCTTCATATTCTGGCTTGGGGGTGAACTCAAAATC-3'
Protein context (NP_006222.2, residues 329-349): EGPFCVFNEP[Asp339Asn]EAHLIQRWFE